The following is an entry in ClinVar:

ClinVar aggregate classification (germline): Uncertain significance (1 of 4 stars; one submission).

Conditions:
Hereditary cancer-predisposing syndrome. Also called: Tumor predisposition; Hereditary Cancer Syndrome; Hereditary neoplastic syndrome; Neoplastic Syndromes, Hereditary. Identifiers: Orphanet 140162, MedGen C0027672, MeSH D009386, MONDO:0015356.

Submission:

Ambry Genetics
Classification: Uncertain significance for Hereditary cancer-predisposing syndrome. Last evaluated: 2025-09-28. Review status: criteria provided, single submitter. Criteria: Ambry Variant Classification Scheme 2023. Collection method: clinical testing. Allele origin: germline.
Comment: The p.E337G variant (also known as c.1010A>G), located in coding exon 10 of the TSC2 gene, results from an A to G substitution at nucleotide position 1010. The glutamic acid at codon 337 is replaced by glycine, an amino acid with similar properties. This amino acid position is conserved. In addition, this alteration is predicted to be deleterious by in silico analysis. Based on the available evidence, the clinical significance of this variant remains unclear.

NM_000548.5(TSC2):c.1010A>G (p.Glu337Gly)

Gene: TSC2 (TSC complex subunit 2; plus strand). Cytogenetic location: 16p13.3.
Variant type: single nucleotide variant.
Coding change: c.1010A>G on transcript NM_000548.5 (MANE Select); coding-DNA position 1010, A replaced by G.
Protein change: p.Glu337Gly; replaces glutamic acid 337 with glycine.
Molecular consequence: missense variant. On other transcripts: 5 prime UTR variant (10), non-coding transcript variant (5).
Genome position (GRCh38, 1-based): chr16:2,060,704, A>G. VCF-style: chr16-2060704-A-G. GRCh37 (hg19) VCF-style: chr16-2110705-A-G.
Other names: c.1010A>G, p.Glu337Gly (NM_001077183.3, NM_001114382.3, NM_001363528.2 and 6 more transcripts); c.899A>G, p.Glu300Gly (NM_001318827.2, NM_001406670.1, NM_001406678.1); c.863A>G, p.Glu288Gly (NM_001318829.2, NM_001406675.1, NM_001406676.1 and 1 more transcripts); c.410A>G, p.Glu137Gly (NM_001318831.2, NM_001406680.1, NM_001406682.1 and 6 more transcripts); c.1043A>G, p.Glu348Gly (NM_001318832.2); c.1100A>G, p.Glu367Gly (NM_001406667.1, NM_001406668.1); c.998A>G, p.Glu333Gly (NM_001406671.1, NM_001406673.1); c.953A>G, p.Glu318Gly (NM_001406677.1); and 4 more; short protein forms E288G, E300G, E318G, E367G, E183G, E337G, E348G, E137G.
Identifiers: ClinVar variation 4556748 (VCV004556748.1).